The following is an entry in ClinVar:

NM_001829.4(CLCN3):c.1819A>G (p.Ile607Val)

Gene: CLCN3 (chloride voltage-gated channel 3; plus strand). Cytogenetic location: 4q33.
Variant type: single nucleotide variant.
Coding change: c.1819A>G on transcript NM_001829.4 (MANE Select); coding-DNA position 1819, A replaced by G.
Protein change: p.Ile607Val; replaces isoleucine 607 with valine.
Molecular consequence: missense variant.
Genome position (GRCh38, 1-based): chr4:169,706,936, A>G. VCF-style: chr4-169706936-A-G. GRCh37 (hg19) VCF-style: chr4-170628087-A-G.
Other names: c.1738A>G, p.Ile580Val (NM_001243372.2, NM_001243374.2); c.1819A>G, p.Ile607Val (NM_173872.4); short protein forms I580V, I607V.
Identifiers: ClinVar variation 2574683 (VCV002574683.3), dbSNP rs2477120199, ClinGen allele CA358740587.

ClinVar aggregate classification (germline): Likely pathogenic. Review status: criteria provided, multiple submitters, no conflicts (2 of 4 stars). 2 submissions from 2 submitters: Likely pathogenic (2). Last evaluated 2023-10-02.

Conditions:
Neurodevelopmental disorder with hypotonia and brain abnormalities. Identifiers: MedGen C5561977, MONDO:0859187, OMIM 619512.

Submissions (2):

Institute of Human Genetics, Clinical Exome/Genome Diagnostics Group, University Hospital Bonn
Classification: Likely pathogenic for Neurodevelopmental disorder with hypotonia and brain abnormalities. Last evaluated: 2023-10-02. Review status: criteria provided, single submitter. Criteria: ACMG Guidelines, 2015. Collection method: clinical testing. Allele origin: de novo. Affected: yes.

Center for Human Genetics and Genomic Medicine, Uniklinik Rwth Aachen
Classification: Likely pathogenic for Neurodevelopmental disorder with hypotonia and brain abnormalities. Last evaluated: 2023-06-15. Review status: criteria provided, single submitter. Criteria: ACMG Guidelines, 2015. Collection method: clinical testing. Allele origin: de novo. Inheritance: Autosomal dominant inheritance. Affected: yes.
Comment: The variant has not been detected in the general population (gnomAD). It has not yet been described in the literature, the dbSNP151 database, or the ClinVar database. (as of 06/06/2023) Bioinformatically, the alteration is inconsistently classified as "probably disease-causing" (SIFT) and "probably benign" (PolyPhen2, mutation Taster) (CADDphred 22,2). A different amino acid exchange at position 607 (p.Ile607Thr) has been previously described in the literature in a patient with a complex brain malformation, and functional analyses demonstrated increased ion transport by the CLCN3 transporter1. Therefore, the variant has been considered as a "probable pathogenic variant" (PS2, PM2, PM5, BP4, ACMG criteria).